The following is an entry in ClinVar:

ClinVar aggregate classification (germline): Likely pathogenic. Review status: criteria provided, multiple submitters, no conflicts (2 of 4 stars). 5 submissions from 5 submitters: Likely pathogenic (5). Last evaluated 2025-12-22.

Conditions:
PKHD1-related disorder. Also called: PKHD1-related condition.
Polycystic kidney disease 4 (PKD4). Also called: POLYCYSTIC KIDNEY AND HEPATIC DISEASE 1; POLYCYSTIC KIDNEY DISEASE, INFANTILE, TYPE I; POLYCYSTIC KIDNEY DISEASE 4 WITH OR WITHOUT POLYCYSTIC LIVER DISEASE; Autosomal Recessive Polycystic Kidney Disease – PKHD1; PKD3. Identifiers: MedGen C4540575, MONDO:0033004, OMIM 263200.
Autosomal recessive polycystic kidney disease (ARPKD). Also called: AR polycystic kidney disease. Identifiers: Orphanet 731, Orphanet 8378, MedGen C0085548, MeSH D017044, MONDO:0009889.

Allele frequency attached by ClinVar (database versions not stated): ExAC 0.00001; gnomAD exomes 0.00001 and below 0.00001.
gnomAD v4.1: 2 of 1,613,996 alleles (0.00012%); highest among the groups gnomAD compares: East Asian, 0.0045%; no homozygotes.

Submissions (5):

3billion
Classification: Likely pathogenic for Polycystic kidney disease 4. Last evaluated: 2025-12-22. Review status: criteria provided, single submitter. Criteria: ACMG Guidelines, 2015. Collection method: clinical testing. Allele origin: germline. Affected: yes.
Comment: The variant is observed at an extremely low frequency in the gnomAD v4.1.0 dataset (total allele frequency: <0.001%). Predicted Consequence/Location: Missense variant. The majority of the known disease-causing variants of this gene are variants expected to result in premature termination of the protein. In silico tool predictions suggest damaging effect of the variant on gene or gene product [REVEL: 0.69 (>=0.6, sensitivity 0.68 and specificity 0.92); 3Cnet: 0.98 (> 0.75, sensitivity 0.96 and precision 0.92)]. The same nucleotide change resulting in the same amino acid change has been previously reported as pathogenic/likely pathogenic with strong evidence (ClinVar ID: VCV000096433 /PMID: 26260382 /3billion dataset). A different missense change at the same codon (p.Cys2803Arg) has been reported as pathogenic/likely pathogenic with strong evidence (ClinVar ID: VCV000096432 /PMID: 19914852). Therefore, this variant is classified as Likely pathogenic according to the recommendation of ACMG/AMP guideline.

Natera, Inc.
Classification: Likely pathogenic for Autosomal recessive polycystic kidney disease. Last evaluated: 2025-03-11. Review status: criteria provided, single submitter. Criteria: Natera Variant Classification Schema (03/2026). Collection method: clinical testing. Allele origin: germline.
Comment: The c.8408G>A variant in PKHD1 is a missense variant predicted to cause substitution of cysteine to tyrosine at amino acid 2803. This variant is rare in the general population with a frequency below the threshold expected for the associated phenotype(s). This variant has been observed in one or more individuals affected with the associated recessive disease, as either homozygous or compound heterozygous with a second variant (PMID: 39315442). A different variant at the same position has been determined to be Pathogenic or Likely Pathogenic. Computational prediction algorithms indicate this variant is likely to affect gene or protein function. Given the available evidence, this variant is classified as Likely Pathogenic.

PreventionGenetics, part of Exact Sciences
Classification: Likely pathogenic for PKHD1-related condition. Last evaluated: 2024-11-11. Review status: criteria provided, single submitter. Criteria: ACMG Guidelines, 2015. Collection method: clinical testing. Allele origin: germline.
Comment: The PKHD1 c.8408G>A variant is predicted to result in the amino acid substitution p.Cys2803Tyr. This variant was reported with a suspected pathogenic missense variant c.3170G>A (p.Cys1057Tyr) in an individual with autosomal recessive polycystic kidney disease (ARPKD), but the phase was unknown (Park et al. 2016. PubMed ID: 26260382). Of note, a different substitution at the same codon, defined as c.8407T>C (p.Cys2803Arg), has been reported to be likely pathogenic for ARPKD (Supplementary table S2, Domingo-Gallego et al. 2022. PubMed ID: 33532864; Gunay-Aygun et al. 2009. PubMed ID: 19914852). The c.8408G>A (p.Cys2803Tyr) variant is reported in 0.011% of alleles in individuals of East Asian descent in gnomAD. This variant is interpreted as likely pathogenic.

Labcorp Genetics (formerly Invitae), Labcorp
Classification: Likely pathogenic for Autosomal recessive polycystic kidney disease. Last evaluated: 2023-05-23. Review status: criteria provided, single submitter. Criteria: Invitae Variant Classification Sherloc (09022015). Collection method: clinical testing. Allele origin: germline.
Comment: This sequence change replaces cysteine, which is neutral and slightly polar, with tyrosine, which is neutral and polar, at codon 2803 of the PKHD1 protein (p.Cys2803Tyr). This variant is present in population databases (rs398124496, gnomAD 0.006%). In summary, the currently available evidence indicates that the variant is pathogenic, but additional data are needed to prove that conclusively. Therefore, this variant has been classified as Likely Pathogenic. ClinVar contains an entry for this variant (Variation ID: 96433). This variant has not been reported in the literature in individuals affected with PKHD1-related conditions. Advanced modeling of protein sequence and biophysical properties (such as structural, functional, and spatial information, amino acid conservation, physicochemical variation, residue mobility, and thermodynamic stability) performed at Invitae indicates that this missense variant is expected to disrupt PKHD1 protein function. This variant disrupts the p.Cys2803 amino acid residue in PKHD1. Other variant(s) that disrupt this residue have been determined to be pathogenic (PMID: 19914852, 33532864). This suggests that this residue is clinically significant, and that variants that disrupt this residue are likely to be disease-causing.

Eurofins Ntd Llc (ga)
Classification: Likely pathogenic. Last evaluated: 2012-11-20. Review status: criteria provided, single submitter. Criteria: EGL Classification Definitions. Collection method: clinical testing. Allele origin: germline. Observed: 1 variant allele, 1 heterozygote.

Literature cited by the submitters: PubMed 26260382 (cited by 3billion); PubMed 19914852 (cited by 3billion and Labcorp Genetics (formerly Invitae), Labcorp); PubMed 39315442 (cited by Natera, Inc.); PubMed 33532864 (cited by Labcorp Genetics (formerly Invitae), Labcorp).

NM_138694.4(PKHD1):c.8408G>A (p.Cys2803Tyr)

Gene: PKHD1 (PKHD1 ciliary IPT domain containing fibrocystin/polyductin; minus strand). Cytogenetic location: 6p12.3.
Variant type: single nucleotide variant.
Coding change: c.8408G>A on transcript NM_138694.4 (MANE Select); coding-DNA position 8408, G replaced by A.
Protein change: p.Cys2803Tyr; replaces cysteine 2803 with tyrosine.
Molecular consequence: missense variant.
Genome position (GRCh38, 1-based): chr6:51,791,268, C>T on the plus strand (G>A on the coding strand, the complement: PKHD1 is on the minus strand). VCF-style: chr6-51791268-C-T. GRCh37 (hg19) VCF-style: chr6-51656066-C-T.
Other names: c.8408G>A, p.Cys2803Tyr (NM_170724.3); short protein forms C2803Y.
Identifiers: ClinVar variation 96433 (VCV000096433.14), dbSNP rs398124496, ClinGen allele CA224101.